The following is an entry in ClinVar:

NM_004183.4(BEST1):c.243G>A (p.Val81=)

Gene: BEST1 (bestrophin 1; plus strand). Cytogenetic location: 11q12.3.
Variant type: single nucleotide variant.
Coding change: c.243G>A on transcript NM_004183.4 (MANE Select); coding-DNA position 243, G replaced by A.
Protein change: p.Val81=; no amino-acid change (valine 81 retained).
Molecular consequence: synonymous variant. On other transcripts: non-coding transcript variant (1).
Genome position (GRCh38, 1-based): chr11:61,955,197, G>A. VCF-style: chr11-61955197-G-A. GRCh37 (hg19) VCF-style: chr11-61722669-G-A.
Other names: c.63G>A, p.Val21= (NM_001139443.3, NM_001300786.2, NM_001300787.2); c.243G>A, p.Val81= (NM_001363592.2); c.243G>A (NM_004183.3).
Identifiers: ClinVar variation 1978431 (VCV001978431.5), dbSNP rs552858877, ClinGen allele CA222935939.

ClinVar aggregate classification (germline): Likely benign. Review status: criteria provided, multiple submitters, no conflicts (2 of 4 stars). 2 submissions from 2 submitters: Likely benign (2). Last evaluated 2026-01-27.

Conditions:
BEST1-related disorder. Also called: BEST1-related disorders; BEST1-related condition. Identifiers: MedGen CN239200.

Allele frequency attached by ClinVar (database versions not stated): gnomAD 0.00001; 1000 Genomes Project 30x 0.00016; 1000 Genomes Project 0.00020.
gnomAD v4.1: 2 of 1,614,168 alleles (0.00012%); highest among the groups gnomAD compares: East Asian, 0.0022%; no homozygotes.

Submissions (2):

PreventionGenetics, part of Exact Sciences
Classification: Likely benign for BEST1-related condition. Last evaluated: 2026-01-27. Review status: criteria provided, single submitter. Criteria: ACMG Guidelines, 2015. Collection method: clinical testing. Allele origin: germline.
Comment: This variant is classified as likely benign based on ACMG/AMP sequence variant interpretation guidelines (Richards et al. 2015 PMID: 25741868, with internal and published modifications).

Labcorp Genetics (formerly Invitae), Labcorp
Classification: Likely benign. Last evaluated: 2022-09-25. Review status: criteria provided, single submitter. Criteria: Invitae Variant Classification Sherloc (09022015). Collection method: clinical testing. Allele origin: germline.